The following is an entry in ClinVar:

ClinVar aggregate classification (germline): Uncertain significance (1 of 4 stars; one submission).

Conditions:
Cowden syndrome (CS). Also called: Cowden's disease; Cowden's syndrome; Cowden disease. Identifiers: Orphanet 201, MedGen C0018553, MONDO:0016063. Disease mechanism: gain of function.

Submission:

Labcorp Genetics (formerly Invitae), Labcorp
Classification: Uncertain significance for Cowden syndrome. Last evaluated: 2018-07-12. Review status: criteria provided, single submitter. Criteria: Invitae Variant Classification Sherloc (09022015). Collection method: clinical testing. Allele origin: germline.
Comment: In summary, the available evidence is currently insufficient to determine the role of this variant in disease. Therefore, it has been classified as a Variant of Uncertain Significance. Algorithms developed to predict the effect of missense changes on protein structure and function (SIFT, PolyPhen-2, Align-GVGD) all suggest that this variant is likely to be tolerated, but these predictions have not been confirmed by published functional studies and their clinical significance is uncertain. This variant has not been reported in the literature in individuals with PIK3CA-related disease. This variant is not present in population databases (ExAC no frequency). This sequence change replaces histidine with leucine at codon 1065 of the PIK3CA protein (p.His1065Leu). The histidine residue is highly conserved and there is a moderate physicochemical difference between histidine and leucine.

NM_006218.4(PIK3CA):c.3194A>T (p.His1065Leu)

Gene: PIK3CA (phosphatidylinositol-4,5-bisphosphate 3-kinase catalytic subunit alpha; plus strand). Cytogenetic location: 3q26.32.
Variant type: single nucleotide variant.
Coding change: c.3194A>T on transcript NM_006218.4 (MANE Select); coding-DNA position 3194, A replaced by T.
Protein change: p.His1065Leu; replaces histidine 1065 with leucine.
Molecular consequence: missense variant.
Genome position (GRCh38, 1-based): chr3:179,234,351, A>T. VCF-style: chr3-179234351-A-T. GRCh37 (hg19) VCF-style: chr3-178952139-A-T.
Other names: c.3194A>T (LRG_310t1); short protein forms H1065L.
Identifiers: ClinVar variation 577141 (VCV000577141.10), dbSNP rs1560150596, ClinGen allele CA355286039.